The following is an entry in ClinVar:

NM_000059.4(BRCA2):c.4959_4963delinsG (p.Cys1654fs)

Gene: BRCA2 (BRCA2 DNA repair associated; plus strand). Cytogenetic location: 13q13.1.
Variant type: Indel.
Coding change: c.4959_4963delinsG on transcript NM_000059.4 (MANE Select); coding-DNA positions 4959 to 4963, TTGTT replaced by G.
Protein change: p.Cys1654fs; shifts the reading frame from cysteine 1654.
Molecular consequence: frameshift variant. On other transcripts: non-coding transcript variant (1), intron variant (2).
Genome position (GRCh38, 1-based): chr13:32,339,314-32,339,318, TTGTT replaced by G. VCF-style: chr13-32339314-TTGTT-G. GRCh37 (hg19) VCF-style: chr13-32913451-TTGTT-G.
Other names: c.4959_4963delinsG, p.Cys1654fs (NM_001406719.1, NM_001406720.1); c.1910-5244_1910-5240delinsG (NM_001406721.1); c.425-5244_425-5240delinsG (NM_001406722.1); short protein forms C1654fs.
Identifiers: ClinVar variation 3227101 (VCV003227101.1), dbSNP rs2548529687, ClinGen allele CA2825002151.

ClinVar aggregate classification (germline): Pathogenic (1 of 4 stars; one submission).

Conditions:
Hereditary cancer-predisposing syndrome. Also called: Neoplastic Syndromes, Hereditary; Tumor predisposition; Hereditary neoplastic syndrome; Hereditary Cancer Syndrome. Identifiers: Orphanet 140162, MedGen C0027672, MeSH D009386, MONDO:0015356.

Submission:

Ambry Genetics
Classification: Pathogenic for Hereditary cancer-predisposing syndrome. Last evaluated: 2023-09-16. Review status: criteria provided, single submitter. Criteria: Ambry Variant Classification Scheme 2023. Collection method: clinical testing. Allele origin: germline.
Comment: The c.4959_4963delTTGTTinsG pathogenic mutation, located in coding exon 10 of the BRCA2 gene, results from the deletion of 5 nucleotides and insertion of one nucleotide causing a translational frameshift with a predicted alternate stop codon (p.C1654Tfs*15). This variant is considered to be rare based on population cohorts in the Genome Aggregation Database (gnomAD). This alteration is expected to result in loss of function by premature protein truncation or nonsense-mediated mRNA decay. As such, this alteration is interpreted as a disease-causing mutation.